The following is an entry in ClinVar:

ClinVar aggregate classification (germline): Uncertain significance (1 of 4 stars; one submission).

Allele frequency attached by ClinVar (database versions not stated): gnomAD exomes below 0.00001.
gnomAD v4.1: 1 of 1,614,026 alleles (0.000062%); highest among the groups gnomAD compares: East Asian, 0.0022%; no homozygotes.

Submission:

Labcorp Genetics (formerly Invitae), Labcorp
Classification: Uncertain significance. Last evaluated: 2022-12-06. Review status: criteria provided, single submitter. Criteria: Invitae Variant Classification Sherloc (09022015). Collection method: clinical testing. Allele origin: germline.
Comment: This sequence change replaces glutamine, which is neutral and polar, with histidine, which is basic and polar, at codon 607 of the HNF1A protein (p.Gln607His). This variant is not present in population databases (gnomAD no frequency). This variant has not been reported in the literature in individuals affected with HNF1A-related conditions. Advanced modeling of protein sequence and biophysical properties (such as structural, functional, and spatial information, amino acid conservation, physicochemical variation, residue mobility, and thermodynamic stability) performed at Invitae indicates that this missense variant is not expected to disrupt HNF1A protein function. In summary, the available evidence is currently insufficient to determine the role of this variant in disease. Therefore, it has been classified as a Variant of Uncertain Significance.

NM_000545.8(HNF1A):c.1821G>T (p.Gln607His)

Genes: C12orf43 (chromosome 12 open reading frame 43; minus strand), HNF1A (HNF1 homeobox A; plus strand). Cytogenetic location: 12q24.31.
Variant type: single nucleotide variant.
Coding change: c.1821G>T on transcript NM_000545.8 (MANE Select); coding-DNA position 1821, G replaced by T.
Protein change: p.Gln607His; replaces glutamine 607 with histidine.
Molecular consequence: missense variant. On other transcripts: 3 prime UTR variant (3).
Genome position (GRCh38, 1-based): chr12:121,001,117, G>T. VCF-style: chr12-121001117-G-T. GRCh37 (hg19) VCF-style: chr12-121438920-G-T.
Other names: c.*3036C>A (NM_001286191.2, NM_001286196.2, NM_022895.3); c.1842G>T, p.Gln614His (NM_001306179.2); c.1629G>T, p.Gln543His (NM_001406915.1); short protein forms Q614H, Q543H, Q607H.
Identifiers: ClinVar variation 2072448 (VCV002072448.4), dbSNP rs2135854601, ClinGen allele CA386941067.
Genomic context (GRCh38, chr12:121,001,117, plus strand): 5'-CTCTGCAGTGTCCTCCAGCAGCCTGGTGCTGTACCAGAGCTCAGACTCCAGCAATGGCCA[G>T]AGCCACCTGCTGCCATCCAACCACAGCGTCATCGAGACCTTCATCTCCACCCAGATGGCC-3'
Protein context (NP_000536.6, residues 597-617): LYQSSDSSNG[Gln607His]SHLLPSNHSV